The following is an entry in ClinVar:

NM_020812.4(DOCK6):c.4062G>T (p.Arg1354=)

Genes: DOCK6 (dedicator of cytokinesis 6; minus strand), DOCK6-AS1 (DOCK6 antisense RNA 1; plus strand). Cytogenetic location: 19p13.2.
Variant type: single nucleotide variant.
Coding change: c.4062G>T on transcript NM_020812.4 (MANE Select); coding-DNA position 4062, G replaced by T.
Protein change: p.Arg1354=; no amino-acid change (arginine 1354 retained).
Molecular consequence: synonymous variant.
Genome position (GRCh38, 1-based): chr19:11,215,431, C>A on the plus strand (G>T on the coding strand, the complement: DOCK6 is on the minus strand). VCF-style: chr19-11215431-C-A. GRCh37 (hg19) VCF-style: chr19-11326107-C-A.
Other names: c.4167G>T, p.Arg1389= (NM_001367830.1).
Identifiers: ClinVar variation 1570689 (VCV001570689.27), dbSNP rs767814446, ClinGen allele CA9207007.

ClinVar aggregate classification (germline): Likely benign. Review status: criteria provided, multiple submitters, no conflicts (2 of 4 stars). 3 submissions from 3 submitters: Likely benign (3). Last evaluated 2025-12-22.

Allele frequency attached by ClinVar (database versions not stated): gnomAD exomes 0.00010 and 0.00003; ExAC 0.00013; gnomAD 0.00004 and 0.00005; TOPMed 0.00007.
gnomAD v4.1: 54 of 1,613,624 alleles (0.0033%); highest among the groups gnomAD compares: East Asian, 0.076%; no homozygotes.

Submissions (4):

Labcorp Genetics (formerly Invitae), Labcorp
Classification: Likely benign. Last evaluated: 2025-12-22. Review status: criteria provided, single submitter. Criteria: Invitae Variant Classification Sherloc (09022015). Collection method: clinical testing. Allele origin: germline.

CeGaT Center for Human Genetics Tuebingen
Classification: Likely benign. Last evaluated: 2024-07-01. Review status: criteria provided, single submitter. Criteria: CeGaT Center For Human Genetics Tuebingen Variant Classification Criteria Version 2. Collection method: clinical testing. Allele origin: germline. Affected: yes. Observed: 1 variant allele.
Comment: DOCK6: BP4, BP7

Blueprint Genetics
Classification: Likely benign. Last evaluated: 2024-05-14. Review status: criteria provided, single submitter. Criteria: ACMG Guidelines, 2015. Collection method: clinical testing. Allele origin: germline.

Dr. Peter K. Rogan Lab, Western University
No classification provided (evidence only). Condition: Clear cell carcinoma of kidney. Review status: no classification provided. Collection method: in vitro. Allele origin: not applicable. Functional consequence: retained intron. Not counted in ClinVar's aggregate classification.